The following is an entry in ClinVar:

NM_001243177.4(ALDOA):c.962-2dup

Genes: ALDOA (aldolase, fructose-bisphosphate A; plus strand), LOC112694756 (uncharaterized LOC112694756; plus strand). Cytogenetic location: 16p11.2.
Variant type: Duplication.
Coding change: c.962-2dup on transcript NM_001243177.4 (MANE Select); the canonical splice acceptor site of the intron before coding-DNA position 962, one base duplicated (A; older notation c.962-2dupA).
Molecular consequence: splice acceptor variant.
Genome position (GRCh38, 1-based): chr16:30,069,828, A duplicated. VCF-style (leftmost placement, unchanged base first): chr16-30069827-C-CA. GRCh37 (hg19) VCF-style: chr16-30081148-C-CA.
Other names: c.*1309-2dup (NM_001365307.2, NM_001365305.2, NM_001365304.2); c.800-2dup (NM_184043.2, NM_001127617.2, NM_184041.5).
Identifiers: ClinVar variation 2060274 (VCV002060274.2), dbSNP rs775439610, ClinGen allele CA8001171.

ClinVar aggregate classification (germline): Uncertain significance (1 of 4 stars; one submission).

Conditions:
HNSHA due to aldolase A deficiency (GSD12). Also called: GLYCOGEN STORAGE DISEASE XII; GSD XII; RED CELL ALDOLASE DEFICIENCY; Glycogen storage disease due to aldolase A deficiency. Identifiers: Orphanet 57, MedGen C0272066, MONDO:0012747, OMIM 611881.

Allele frequency attached by ClinVar (database versions not stated): ExAC 0.00002; gnomAD exomes 0.00002; gnomAD 0.00005; TOPMed 0.00005; ESP Exome Variant Server 0.00008.

Submission:

Labcorp Genetics (formerly Invitae), Labcorp
Classification: Uncertain significance for HNSHA due to aldolase A deficiency. Last evaluated: 2024-01-02. Review status: criteria provided, single submitter. Criteria: Invitae Variant Classification Sherloc (09022015). Collection method: clinical testing. Allele origin: germline.
Comment: This sequence change falls in intron 12 of the ALDOA gene. It does not directly change the encoded amino acid sequence of the ALDOA protein. It affects a nucleotide within the consensus splice site. This variant is present in population databases (rs775439610, gnomAD 0.006%). This variant has not been reported in the literature in individuals affected with ALDOA-related conditions. ClinVar contains an entry for this variant (Variation ID: 2060274). Variants that disrupt the consensus splice site are a relatively common cause of aberrant splicing (PMID: 17576681, 9536098). Algorithms developed to predict the effect of sequence changes on RNA splicing suggest that this variant may disrupt the consensus splice site. In summary, the available evidence is currently insufficient to determine the role of this variant in disease. Therefore, it has been classified as a Variant of Uncertain Significance.

Literature cited by the submitters: PubMed 17576681; PubMed 9536098.